The following is an entry in ClinVar:

ClinVar aggregate classification (germline): Uncertain significance (1 of 4 stars; one submission).

Conditions:
Hereditary breast ovarian cancer syndrome. Also called: Hereditary breast and/or ovarian cancer syndrome; Breast and ovarian cancer; Hereditary breast and ovarian cancer; Hereditary breast and ovarian cancer syndrome; Hereditary breast and ovarian cancer syndrome (HBOC); BRCA1- and BRCA2-Associated Hereditary Breast and Ovarian Cancer. Identifiers: Orphanet 145, MedGen C0677776, MeSH D061325, MONDO:0003582. Disease mechanism: loss of function.

Submission:

Labcorp Genetics (formerly Invitae), Labcorp
Classification: Uncertain significance for Hereditary breast ovarian cancer syndrome. Last evaluated: 2026-01-25. Review status: criteria provided, single submitter. Criteria: Invitae Variant Classification Sherloc (09022015). Collection method: clinical testing. Allele origin: germline.
Comment: This sequence change falls in intron 14 of the BRCA1 gene. It does not directly change the encoded amino acid sequence of the BRCA1 protein. It affects a nucleotide within the consensus splice site. This variant is not present in population databases (gnomAD no frequency). This variant has not been reported in the literature in individuals affected with BRCA1-related conditions. Variants that disrupt the consensus splice site are a relatively common cause of aberrant splicing (PMID: 17576681, 9536098). Studies have shown that this variant is associated with inconclusive levels of altered splicing (internal data). In summary, the available evidence is currently insufficient to determine the role of this variant in disease. Therefore, it has been classified as a Variant of Uncertain Significance.

Literature cited by the submitters: PubMed 17576681; PubMed 9536098.

NM_007294.4(BRCA1):c.4675+4A>G

Gene: BRCA1 (BRCA1 DNA repair associated; minus strand). Cytogenetic location: 17q21.31.
Variant type: single nucleotide variant.
Coding change: c.4675+4A>G on transcript NM_007294.4 (MANE Select); 4 bases into the intron after coding-DNA position 4675, A replaced by G.
Molecular consequence: intron variant.
Genome position (GRCh38, 1-based): chr17:43,074,327, T>C on the plus strand (A>G on the coding strand, the complement: BRCA1 is on the minus strand). VCF-style: chr17-43074327-T-C. GRCh37 (hg19) VCF-style: chr17-41226344-T-C.
Other names: c.1222+4A>G (NM_001408458.1, NM_001408461.1, NM_001408464.1 and 7 more transcripts); c.3784+4A>G (NM_001407967.1); c.4294+4A>G (NM_001407959.1); c.4408+4A>G (NM_001407931.1, NM_001407932.1, NM_001407928.1 and 4 more transcripts); c.4531+4A>G (NM_001407747.1, NM_001407745.1, NM_001407737.1 and 21 more transcripts); c.4291+4A>G (NM_001407962.1, NM_001407960.1); c.862+4A>G (NM_001408512.1); c.985+4A>G (NM_001408510.1); and 71 more.
Identifiers: ClinVar variation 4809361 (VCV004809361.1).